The following is an entry in ClinVar:

NM_000261.2(MYOC):c.1121G>T (p.Gly374Val)

Gene: MYOC (myocilin; minus strand). Cytogenetic location: 1q24.3.
Variant type: single nucleotide variant.
Coding change: c.1121G>T on transcript NM_000261.2 (MANE Select); coding-DNA position 1121, G replaced by T.
Protein change: p.Gly374Val; replaces glycine 374 with valine.
Molecular consequence: missense variant.
Genome position (GRCh38, 1-based): chr1:171,636,319, C>A on the plus strand (G>T on the coding strand, the complement: MYOC is on the minus strand). VCF-style: chr1-171636319-C-A. GRCh37 (hg19) VCF-style: chr1-171605459-C-A.
Other names: NM_000261.2:c.1121G>T; short protein forms G374V.
Identifiers: ClinVar variation 2498113 (VCV002498113.2), dbSNP rs2527839135, ClinGen allele CA343724639.

ClinVar aggregate classification (germline): Uncertain significance (3 of 4 stars; one submission).

Conditions:
Open-angle glaucoma. Identifiers: MedGen C0017612, MONDO:0005338, HP:0012108.

Allele frequency attached by ClinVar (database versions not stated): gnomAD exomes below 0.00001.
gnomAD v4.1: 1 of 1,614,030 alleles (0.000062%); highest among the groups gnomAD compares: Non-Finnish European, 0.000085%; no homozygotes.

Submission:

ClinGen Glaucoma Variant Curation Expert Panel
Classification: Uncertain significance for Open-angle glaucoma. Last evaluated: 2026-01-20. Review status: reviewed by expert panel. Criteria: ClinGen Glaucoma ACMG Specifications V2.0.0 Approved. Collection method: curation. Allele origin: germline. Inheritance: Autosomal dominant inheritance.
Comment: The c.1121G>T variant in MYOC is a missense variant predicted to cause substitution of Glycine by Valine at amino acid 374 (p.Gly374Val). The highest minor allele frequency of this variant was in the European (non-Finnish) genetic ancestry group of gnomAD (v4.1.0) = 0.0000008475 (1 allele out of 1,179,996), which met the ≤ 0.0001 threshold set for PM2_Supporting in a genetic ancestry group of at least 10,000 alleles. The REVEL score = 0.904, which was within the 0.773-0.931 range for PP3_Moderate, predicting a damaging effect on MYOC function. There was no functional evidence predicting a damaging or benign impact of this variant on MYOC function. 2 probands with primary open angle glaucoma have been reported carrying this variant (PMID: 21552496), which met PS4_Supporting (≥ 2 probands). In summary, this variant met the criteria to receive a score of 4 and to be classified as a variant of uncertain significance (uncertain significance classification range -1 to 5, adapted from PMID: 32720330) for primary open angle glaucoma based on the ACMG/AMP criteria met, as specified by the ClinGen Glaucoma VCEP (v2.0.0, 5 Dec 2024): PP3_Moderate, PS4_Supporting, PM2_Supporting.